The following is an entry in ClinVar:

NM_001366521.1(ATP2B1):c.1723G>A (p.Val575Ile)

Gene: ATP2B1 (ATPase plasma membrane Ca2+ transporting 1; minus strand). Cytogenetic location: 12q21.33.
Variant type: single nucleotide variant.
Coding change: c.1723G>A on transcript NM_001366521.1 (MANE Select); coding-DNA position 1723, G replaced by A.
Protein change: p.Val575Ile; replaces valine 575 with isoleucine.
Molecular consequence: missense variant. On other transcripts: non-coding transcript variant (3).
Genome position (GRCh38, 1-based): chr12:89,620,105, C>T on the plus strand (G>A on the coding strand, the complement: ATP2B1 is on the minus strand). VCF-style: chr12-89620105-C-T. GRCh37 (hg19) VCF-style: chr12-90013882-C-T.
Other names: c.1723G>A, p.Val575Ile (NM_001001323.2, NM_001366520.1, NM_001366522.1 and 12 more transcripts); c.1525G>A, p.Val509Ile (NM_001366530.1, NM_001413053.1); c.1162G>A, p.Val388Ile (NM_001366531.1, NM_001366532.1, NM_001413058.1 and 2 more transcripts); c.1684G>A, p.Val562Ile (NM_001413048.1); c.1582G>A, p.Val528Ile (NM_001413051.1, NM_001413052.1, NM_001413055.1); c.1480G>A, p.Val494Ile (NM_001413054.1); c.1468G>A, p.Val490Ile (NM_001413056.1); c.1270G>A, p.Val424Ile (NM_001413057.1); short protein forms V388I, V424I, V490I, V494I, V509I, V528I, V562I, V575I.
Identifiers: ClinVar variation 3895809 (VCV003895809.1).

ClinVar aggregate classification (germline): Uncertain significance (1 of 4 stars; one submission).

Submission:

Women's Health and Genetics/Laboratory Corporation of America, LabCorp
Classification: Uncertain significance. Last evaluated: 2025-03-06. Review status: criteria provided, single submitter. Criteria: LabCorp Variant Classification Summary - May 2015. Collection method: clinical testing. Allele origin: germline.
Comment: Variant summary: ATP2B1 c.1723G>A (p.Val575Ile) results in a conservative amino acid change in the encoded protein sequence. Three of five in-silico tools predict a benign effect of the variant on protein function. The variant was absent in 251138 control chromosomes. The available data on variant occurrences in the general population are insufficient to allow any conclusion about variant significance. To our knowledge, no occurrence of c.1723G>A in individuals affected with Intellectual Developmental Disorder, Autosomal Dominant 66 and no experimental evidence demonstrating its impact on protein function have been reported. No submitters have cited clinical-significance assessments for this variant to ClinVar. Based on the evidence outlined above, the variant was classified as uncertain significance.